The following is an entry in ClinVar:

NM_003737.4(DCHS1):c.2771G>A (p.Gly924Asp)

Gene: DCHS1 (dachsous cadherin-related 1; minus strand). Cytogenetic location: 11p15.4.
Variant type: single nucleotide variant.
Coding change: c.2771G>A on transcript NM_003737.4 (MANE Select); coding-DNA position 2771, G replaced by A.
Protein change: p.Gly924Asp; replaces glycine 924 with aspartic acid.
Molecular consequence: missense variant.
Genome position (GRCh38, 1-based): chr11:6,632,741, C>T on the plus strand (G>A on the coding strand, the complement: DCHS1 is on the minus strand). VCF-style: chr11-6632741-C-T. GRCh37 (hg19) VCF-style: chr11-6653972-C-T.
Other names: short protein forms G924D.
Identifiers: ClinVar variation 2980125 (VCV002980125.3), dbSNP rs144475429, ClinGen allele CA5860657.

ClinVar aggregate classification (germline): Uncertain significance (1 of 4 stars; one submission).

Allele frequency attached by ClinVar (database versions not stated): TOPMed 0.00001; gnomAD exomes below 0.00001; ExAC 0.00003; gnomAD 0.00001; ESP Exome Variant Server 0.00008.
gnomAD v4.1: 4 of 1,610,658 alleles (0.00025%); highest among the groups gnomAD compares: Non-Finnish European, 0.00034%; no homozygotes.

Submission:

Labcorp Genetics (formerly Invitae), Labcorp
Classification: Uncertain significance. Last evaluated: 2025-03-16. Review status: criteria provided, single submitter. Criteria: Invitae Variant Classification Sherloc (09022015). Collection method: clinical testing. Allele origin: germline.
Comment: This sequence change replaces glycine, which is neutral and non-polar, with aspartic acid, which is acidic and polar, at codon 924 of the DCHS1 protein (p.Gly924Asp). This variant is present in population databases (rs144475429, gnomAD 0.002%). This variant has not been reported in the literature in individuals affected with DCHS1-related conditions. ClinVar contains an entry for this variant (Variation ID: 2980125). Invitae Evidence Modeling of protein sequence and biophysical properties (such as structural, functional, and spatial information, amino acid conservation, physicochemical variation, residue mobility, and thermodynamic stability) indicates that this missense variant is not expected to disrupt DCHS1 protein function with a negative predictive value of 80%. In summary, the available evidence is currently insufficient to determine the role of this variant in disease. Therefore, it has been classified as a Variant of Uncertain Significance.